The following is an entry in ClinVar:

NM_014014.5(SNRNP200):c.4764-3C>A

Gene: SNRNP200 (small nuclear ribonucleoprotein U5 subunit 200; minus strand). Cytogenetic location: 2q11.2.
Variant type: single nucleotide variant.
Coding change: c.4764-3C>A on transcript NM_014014.5 (MANE Select); 3 bases into the intron before coding-DNA position 4764, C replaced by A.
Molecular consequence: intron variant.
Genome position (GRCh38, 1-based): chr2:96,283,355, G>T on the plus strand (C>A on the coding strand, the complement: SNRNP200 is on the minus strand). VCF-style: chr2-96283355-G-T. GRCh37 (hg19) VCF-style: chr2-96949093-G-T.
Identifiers: ClinVar variation 1052987 (VCV001052987.8), dbSNP rs139290587, ClinGen allele CA1778132.
Genomic context (GRCh38, chr2:96,283,355, plus strand): 5'-GCTGTCACTTAGCTTCTCCAGGTACGGAATCAGATCCTTCTCGGTGCAGTGCAAGAACCT[G>T]TGCGGTACAGGCACTGGCTCAGCTCAGAGTAGTTCAATTCCTGGCAGACACTTTGCCAGC-3'

ClinVar aggregate classification (germline): Uncertain significance. Review status: criteria provided, multiple submitters, no conflicts (2 of 4 stars). 2 submissions from 2 submitters: Uncertain significance (2). Last evaluated 2026-01-17.

Allele frequency attached by ClinVar (database versions not stated): gnomAD exomes 0.00002 and 0.00003; ExAC 0.00004; ESP Exome Variant Server 0.00008; gnomAD 0.00010; TOPMed 0.00012; 1000 Genomes Project 30x 0.00047; 1000 Genomes Project 0.00060.
gnomAD v4.1: 53 of 1,614,128 alleles (0.0033%); highest among the groups gnomAD compares: African/African-American, 0.056%; no homozygotes.

Submissions (2):

Labcorp Genetics (formerly Invitae), Labcorp
Classification: Uncertain significance. Last evaluated: 2026-01-17. Review status: criteria provided, single submitter. Criteria: Invitae Variant Classification Sherloc (09022015). Collection method: clinical testing. Allele origin: germline.
Comment: This sequence change falls in intron 33 of the SNRNP200 gene. It does not directly change the encoded amino acid sequence of the SNRNP200 protein. It affects a nucleotide within the consensus splice site. This variant is present in population databases (rs139290587, gnomAD 0.05%). This variant has not been reported in the literature in individuals affected with SNRNP200-related conditions. ClinVar contains an entry for this variant (Variation ID: 1052987). Variants that disrupt the consensus splice site are a relatively common cause of aberrant splicing (PMID: 17576681, 9536098). Algorithms developed to predict the effect of sequence changes on RNA splicing suggest that this variant may disrupt the consensus splice site. In summary, the available evidence is currently insufficient to determine the role of this variant in disease. Therefore, it has been classified as a Variant of Uncertain Significance.

Blueprint Genetics
Classification: Uncertain significance. Last evaluated: 2023-10-25. Review status: criteria provided, single submitter. Criteria: ACMG Guidelines, 2015. Collection method: clinical testing. Allele origin: germline.

Literature cited by the submitters: PubMed 17576681 (cited by Labcorp Genetics (formerly Invitae), Labcorp); PubMed 9536098 (cited by Labcorp Genetics (formerly Invitae), Labcorp).